The following is an entry in ClinVar:

ClinVar aggregate classification (germline): Uncertain significance. Review status: criteria provided, multiple submitters, no conflicts (2 of 4 stars). 2 submissions from 2 submitters: Uncertain significance (2). Last evaluated 2025-12-30.

Conditions:
Inborn genetic diseases. Identifiers: MedGen C0950123, MeSH D030342.

gnomAD v4.1: 3 of 1,558,898 alleles (0.00019%); highest among the groups gnomAD compares: Admixed American, 0.0061%; no homozygotes.

Submissions (2):

Labcorp Genetics (formerly Invitae), Labcorp
Classification: Uncertain significance. Last evaluated: 2025-12-30. Review status: criteria provided, single submitter. Criteria: Invitae Variant Classification Sherloc (09022015). Collection method: clinical testing. Allele origin: germline.
Comment: This sequence change replaces valine, which is neutral and non-polar, with glycine, which is neutral and non-polar, at codon 128 of the ANXA11 protein (p.Val128Gly). This variant is present in population databases (rs763532696, gnomAD 0.004%). This variant has not been reported in the literature in individuals affected with ANXA11-related conditions. ClinVar contains an entry for this variant (Variation ID: 3920703). Experimental studies and prediction algorithms are not available or were not evaluated, and the functional significance of this variant is currently unknown. In summary, the available evidence is currently insufficient to determine the role of this variant in disease. Therefore, it has been classified as a Variant of Uncertain Significance.

Ambry Genetics
Classification: Uncertain significance for Inborn genetic diseases. Last evaluated: 2025-05-19. Review status: criteria provided, single submitter. Criteria: Ambry Variant Classification Scheme 2023. Collection method: clinical testing. Allele origin: germline.

NM_145868.2(ANXA11):c.383T>G (p.Val128Gly)

Gene: ANXA11 (annexin A11; minus strand). Cytogenetic location: 10q22.3.
Variant type: single nucleotide variant.
Coding change: c.383T>G on transcript NM_145868.2 (MANE Select); coding-DNA position 383, T replaced by G.
Protein change: p.Val128Gly; replaces valine 128 with glycine.
Molecular consequence: missense variant.
Genome position (GRCh38, 1-based): chr10:80,169,147, A>C on the plus strand (T>G on the coding strand, the complement: ANXA11 is on the minus strand). VCF-style: chr10-80169147-A-C. GRCh37 (hg19) VCF-style: chr10-81928903-A-C.
Other names: c.383T>G, p.Val128Gly (NM_001157.3, NM_001278407.2, NM_001278408.2 and 1 more transcripts); c.284T>G, p.Val95Gly (NM_001278409.2); short protein forms V128G, V95G.
Identifiers: ClinVar variation 3920703 (VCV003920703.2).